The following is an entry in ClinVar:

NM_177438.3(DICER1):c.950G>A (p.Cys317Tyr)

Gene: DICER1 (dicer 1, ribonuclease III; minus strand). Cytogenetic location: 14q32.13.
Variant type: single nucleotide variant.
Coding change: c.950G>A on transcript NM_177438.3 (MANE Select); coding-DNA position 950, G replaced by A.
Protein change: p.Cys317Tyr; replaces cysteine 317 with tyrosine.
Molecular consequence: missense variant. On other transcripts: 5 prime UTR variant (1), non-coding transcript variant (6).
Genome position (GRCh38, 1-based): chr14:95,124,622, C>T on the plus strand (G>A on the coding strand, the complement: DICER1 is on the minus strand). VCF-style: chr14-95124622-C-T. GRCh37 (hg19) VCF-style: chr14-95590959-C-T.
Other names: c.950G>A, p.Cys317Tyr (NM_001195573.1, NM_001271282.3, NM_001291628.2 and 14 more transcripts); c.668G>A, p.Cys223Tyr (NM_001395686.1); c.545G>A, p.Cys182Tyr (NM_001395687.1, NM_001395688.1, NM_001395689.1 and 3 more transcripts); c.383G>A, p.Cys128Tyr (NM_001395691.1); c.-619G>A (NM_001395697.1); short protein forms C128Y, C317Y, C182Y, C223Y.
Identifiers: ClinVar variation 3501931 (VCV003501931.1).
Genomic context (GRCh38, chr14:95,124,622, plus strand): 5'-TGCTCATGTTTGATGTATTTCTGTAGTTCTCTTACCATCATTCCAGCTACTTTATCTGCA[C>T]ACCAGGGTCCCAGAACTACCAATACGGCACGACAGTCTGATAGTATCTACAAAAAAAAGA-3'
Protein context (NP_803187.1, residues 307-327): RAVLVVLGPW[Cys317Tyr]ADKVAGMMVR

ClinVar aggregate classification (germline): Uncertain significance (1 of 4 stars; one submission).

Conditions:
Hereditary cancer-predisposing syndrome. Also called: Tumor predisposition; Neoplastic Syndromes, Hereditary; Hereditary Cancer Syndrome; Hereditary neoplastic syndrome. Identifiers: Orphanet 140162, MedGen C0027672, MeSH D009386, MONDO:0015356.

Submission:

Ambry Genetics
Classification: Uncertain significance for Hereditary cancer-predisposing syndrome. Last evaluated: 2024-10-20. Review status: criteria provided, single submitter. Criteria: Ambry Variant Classification Scheme 2023. Collection method: clinical testing. Allele origin: germline.
Comment: The p.C317Y variant (also known as c.950G>A), located in coding exon 7 of the DICER1 gene, results from a G to A substitution at nucleotide position 950. The cysteine at codon 317 is replaced by tyrosine, an amino acid with highly dissimilar properties. This amino acid position is conserved. In addition, this alteration is predicted to be deleterious by in silico analysis. Based on the available evidence, the clinical significance of this variant remains unclear.